The following is an entry in ClinVar:

NM_020779.4(WDR35):c.1609C>T (p.Gln537Ter)

Gene: WDR35 (WD repeat domain 35; minus strand). Cytogenetic location: 2p24.1.
Variant type: single nucleotide variant.
Coding change: c.1609C>T on transcript NM_020779.4 (MANE Select); coding-DNA position 1609, C replaced by T.
Protein change: p.Gln537Ter; replaces glutamine 537 with a stop codon.
Molecular consequence: nonsense.
Genome position (GRCh38, 1-based): chr2:19,946,486, G>A on the plus strand (C>T on the coding strand, the complement: WDR35 is on the minus strand). VCF-style: chr2-19946486-G-A. GRCh37 (hg19) VCF-style: chr2-20146247-G-A.
Other names: c.1642C>T, p.Gln548Ter (NM_001006657.2); short protein forms Q537*, Q548*.
Identifiers: ClinVar variation 2951856 (VCV002951856.3), dbSNP rs1416766008, ClinGen allele CA345944966.
Genomic context (GRCh38, chr2:19,946,486, plus strand): 5'-TCTAACATCTACATGAGCAGAGTTTTCAGGCTTACCTAGAGTTGCAATTCAAGGATAACT[G>A]GTAGGCTCGACAATTAAGGGAATATTTTTGAATCAAACCAACATTAGGTAGACTGTATCT-3'

ClinVar aggregate classification (germline): Pathogenic (1 of 4 stars; one submission).

Conditions:
Cranioectodermal dysplasia 2 (CED2). Identifiers: Orphanet 1515, MedGen C3150874, MONDO:0013323, OMIM 613610.
Short-rib thoracic dysplasia 7 with or without polydactyly (SRTD7). Also called: Short rib polydactyly syndrome 5; SHORT-RIB THORACIC DYSPLASIA 7 WITH POLYDACTYLY. Identifiers: Orphanet 498497, Orphanet 93271, MedGen C3279792, MONDO:0013569, OMIM 614091.

Submission:

Labcorp Genetics (formerly Invitae), Labcorp
Classification: Pathogenic for Cranioectodermal dysplasia 2; Short-rib thoracic dysplasia 7 with or without polydactyly. Last evaluated: 2023-09-25. Review status: criteria provided, single submitter. Criteria: Invitae Variant Classification Sherloc (09022015). Collection method: clinical testing. Allele origin: germline.
Comment: This sequence change creates a premature translational stop signal (p.Gln548*) in the WDR35 gene. It is expected to result in an absent or disrupted protein product. Loss-of-function variants in WDR35 are known to be pathogenic (PMID: 22486404, 29068549). This variant is present in population databases (no rsID available, gnomAD 0.0009%). This variant has not been reported in the literature in individuals affected with WDR35-related conditions. Algorithms developed to predict the effect of sequence changes on RNA splicing suggest that this variant may disrupt the consensus splice site. For these reasons, this variant has been classified as Pathogenic.

Literature cited by the submitters: PubMed 22486404; PubMed 29068549.